The following is an entry in ClinVar:

ClinVar aggregate classification (germline): Pathogenic (1 of 4 stars; one submission).

Conditions:
Alzheimer disease 3 (AD3). Also called: ALZHEIMER DISEASE, FAMILIAL, 3. Identifiers: Orphanet 1020, MedGen C1843013, MONDO:0011913, OMIM 607822.
Pick disease. Also called: PICK DISEASE OF BRAIN; LOBAR ATROPHY OF BRAIN; Pick's disease; DEMENTIA WITH LOBAR ATROPHY AND NEURONAL CYTOPLASMIC INCLUSIONS; Pick Disease of the Brain. Identifiers: Orphanet 282, MedGen C0236642, MONDO:0008243, OMIM 172700.
Acne inversa, familial, 3 (ACNINV3). Identifiers: MedGen C3151038, MONDO:0013398, OMIM 613737.
Frontotemporal dementia (FTD1). Also called: FRONTOTEMPORAL DEMENTIA WITH PARKINSONISM; FRONTOTEMPORAL LOBE DEMENTIA; MULTIPLE SYSTEM TAUOPATHY WITH PRESENILE DEMENTIA; FRONTOTEMPORAL LOBAR DEGENERATION WITH TAU INCLUSIONS; FTLD WITH TAU INCLUSIONS; Frontotemporal lobe dementia (FLDEM). Identifiers: Orphanet 282, MedGen C0338451, MONDO:0017276, OMIM 600274, HP:0002145.

Submission:

Labcorp Genetics (formerly Invitae), Labcorp
Classification: Pathogenic for Alzheimer disease 3; Pick disease; Acne inversa, familial, 3; Frontotemporal dementia. Last evaluated: 2021-12-09. Review status: criteria provided, single submitter. Criteria: Invitae Variant Classification Sherloc (09022015). Collection method: clinical testing. Allele origin: germline.
Comment: This variant is not present in population databases (gnomAD no frequency). For these reasons, this variant has been classified as Pathogenic. This variant disrupts the p.Tyr256 amino acid residue in PSEN1. Other variant(s) that disrupt this residue have been observed in individuals with PSEN1-related conditions (PMID: 12885573), which suggests that this may be a clinically significant amino acid residue. Advanced modeling of protein sequence and biophysical properties (such as structural, functional, and spatial information, amino acid conservation, physicochemical variation, residue mobility, and thermodynamic stability) performed at Invitae indicates that this missense variant is expected to disrupt PSEN1 protein function. This missense change has been observed in individuals with clinical features of early-onset Alzheimer disease (PMID: 31440394; Invitae). It has also been observed to segregate with disease in related individuals. This sequence change replaces tyrosine, which is neutral and polar, with asparagine, which is neutral and polar, at codon 256 of the PSEN1 protein (p.Tyr256Asn).

Literature cited by the submitters: PubMed 12885573; PubMed 31440394.

NM_000021.4(PSEN1):c.766T>A (p.Tyr256Asn)

Gene: PSEN1 (presenilin 1; plus strand). Cytogenetic location: 14q24.2.
Variant type: single nucleotide variant.
Coding change: c.766T>A on transcript NM_000021.4 (MANE Select); coding-DNA position 766, T replaced by A.
Protein change: p.Tyr256Asn; replaces tyrosine 256 with asparagine.
Molecular consequence: missense variant.
Genome position (GRCh38, 1-based): chr14:73,192,861, T>A. VCF-style: chr14-73192861-T-A. GRCh37 (hg19) VCF-style: chr14-73659569-T-A.
Other names: c.754T>A, p.Tyr252Asn (NM_007318.3); short protein forms Y252N, Y256N.
Identifiers: ClinVar variation 2419054 (VCV002419054.9), dbSNP rs2502941276, ClinGen allele CA390299975.